The following is an entry in ClinVar:

NM_012179.4(FBXO7):c.674C>G (p.Pro225Arg)

Gene: FBXO7 (F-box protein 7; plus strand). Cytogenetic location: 22q12.3.
Variant type: single nucleotide variant.
Coding change: c.674C>G on transcript NM_012179.4 (MANE Select); coding-DNA position 674, C replaced by G.
Protein change: p.Pro225Arg; replaces proline 225 with arginine.
Molecular consequence: missense variant.
Genome position (GRCh38, 1-based): chr22:32,485,096, C>G. VCF-style: chr22-32485096-C-G. GRCh37 (hg19) VCF-style: chr22-32881083-C-G.
Other names: c.437C>G, p.Pro146Arg (NM_001033024.2); c.332C>G, p.Pro111Arg (NM_001257990.2); short protein forms P111R, P225R, P146R.
Identifiers: ClinVar variation 1347968 (VCV001347968.4), dbSNP rs112660869, ClinGen allele CA10201493.

ClinVar aggregate classification (germline): Uncertain significance. Review status: criteria provided, multiple submitters, no conflicts (2 of 4 stars). 2 submissions from 2 submitters: Uncertain significance (2). Last evaluated 2022-04-24.

Conditions:
Parkinsonian-pyramidal syndrome. Also called: PARKINSON DISEASE 15, AUTOSOMAL RECESSIVE; PALLIDOPYRAMIDAL SYNDROME; PARKINSON DISEASE 15, AUTOSOMAL RECESSIVE EARLY-ONSET. Identifiers: Orphanet 171695, MedGen C1850100, MONDO:0009830, OMIM 260300.

Allele frequency attached by ClinVar (database versions not stated): 1000 Genomes Project 0.00020; 1000 Genomes Project 30x 0.00031.
gnomAD v4.1: 43 of 1,614,130 alleles (0.0027%); highest among the groups gnomAD compares: African/African-American, 0.035%; no homozygotes.

Submissions (2):

Labcorp Genetics (formerly Invitae), Labcorp
Classification: Uncertain significance for Parkinsonian-pyramidal syndrome. Last evaluated: 2022-04-24. Review status: criteria provided, single submitter. Criteria: Invitae Variant Classification Sherloc (09022015). Collection method: clinical testing. Allele origin: germline.
Comment: This sequence change replaces proline, which is neutral and non-polar, with arginine, which is basic and polar, at codon 225 of the FBXO7 protein (p.Pro225Arg). This variant is present in population databases (rs112660869, gnomAD 0.03%). This variant has not been reported in the literature in individuals affected with FBXO7-related conditions. Algorithms developed to predict the effect of missense changes on protein structure and function (SIFT, PolyPhen-2, Align-GVGD) all suggest that this variant is likely to be disruptive. In summary, the available evidence is currently insufficient to determine the role of this variant in disease. Therefore, it has been classified as a Variant of Uncertain Significance.

Fulgent Genetics
Classification: Uncertain significance for Parkinsonian-pyramidal syndrome. Last evaluated: 2022-04-11. Review status: criteria provided, single submitter. Criteria: ACMG Guidelines, 2015. Collection method: clinical testing. Allele origin: unknown.